The following is an entry in ClinVar:

NM_000051.4(ATM):c.6984del (p.Ser2329fs)

Genes: ATM (ATM serine/threonine kinase; plus strand), C11orf65 (chromosome 11 open reading frame 65; minus strand). Cytogenetic location: 11q22.3.
Variant type: Deletion.
Coding change: c.6984del on transcript NM_000051.4 (MANE Select); coding-DNA position 6984, one base deleted (C; older notation c.6984delC).
Protein change: p.Ser2329fs; shifts the reading frame from serine 2329.
Molecular consequence: frameshift variant. On other transcripts: intron variant (2).
Genome position (GRCh38, 1-based): chr11:108,327,653, C deleted; the last of 3 consecutive C bases (chr11:108,327,651-108,327,653); deleting any one gives the same sequence. VCF-style (leftmost placement, unchanged base first): chr11-108327650-TC-T. GRCh37 (hg19) VCF-style: chr11-108198377-TC-T.
Other names: c.6984del, p.Ser2329fs (NM_001351834.2); c.641-18580del (NM_001330368.2); c.*38+7569del (NM_001351110.2); short protein forms S2329fs.
Identifiers: ClinVar variation 3377702 (VCV003377702.1).

ClinVar aggregate classification (germline): Likely pathogenic (1 of 4 stars; one submission).

Conditions:
Ataxia-telangiectasia syndrome (AT). Also called: Ataxia-telangiectasia; Ataxia-telangiectasia, complementation group D; AT, COMPLEMENTATION GROUP C; Ataxia-telangiectasia, complementation group E; LOUIS-BAR SYNDROME; Cerebello-oculocutaneous telangiectasia. Identifiers: Orphanet 100, MedGen C0004135, MONDO:0008840, OMIM 208900.

Submission:

Neuberg Centre For Genomic Medicine, NCGM
Classification: Likely pathogenic for Ataxia-telangiectasia syndrome. Review status: criteria provided, single submitter. Criteria: ACMG Guidelines, 2015. Collection method: clinical testing. Allele origin: germline. Inheritance: Autosomal recessive inheritance. Affected: yes.
Comment: The observed frameshift c.6984del (p.Ser2329AlafsTer2) variant in ATM gene has not been previously reported as pathogenic variant nor as a benign variant, to our knowledge. The p.Ser2329AlafsTer2 variant is absent in gnomAD Exomes. This variant has not been submitted to the ClinVar database. This variant causes a frameshift starting with codon Serine 2329, changes this amino acid to Alanine residue, and creates a premature Stop codon at position 2 of the new reading frame, denoted p.Ser2329AlafsTer2. This variant is predicted to cause loss of normal protein function through protein truncation. Loss of function variants in ATM gene have been previously reported to be disease causing (Fukunaga et al., 2019). However, additional functional studies will be required to prove the pathogenicity of this variant. For these reasons, this variant has been classified as Likely Pathogenic.